The following is an entry in ClinVar:

NM_002283.4(KRT85):c.943_944delinsTA (p.Arg315Tyr)

Gene: KRT85 (keratin 85; minus strand). Cytogenetic location: 12q13.13.
Variant type: Indel.
Coding change: c.943_944delinsTA on transcript NM_002283.4 (MANE Select); coding-DNA positions 943 to 944, CG replaced by TA.
Protein change: p.Arg315Tyr; replaces arginine 315 with tyrosine.
Molecular consequence: missense variant.
Genome position (GRCh38, 1-based): chr12:52,363,253-52,363,254, CG replaced by TA on the plus strand (CG replaced by TA on the coding strand, the reverse complement: KRT85 is on the minus strand). VCF-style: chr12-52363253-CG-TA. GRCh37 (hg19) VCF-style: chr12-52757037-CG-TA.
Other names: c.307_308delinsTA, p.Arg103Tyr (NM_001300810.1); short protein forms R103Y, R315Y.
Identifiers: ClinVar variation 4975768 (VCV004975768.1).

ClinVar aggregate classification (germline): Uncertain significance (1 of 4 stars; one submission).

Submission:

GeneDx
Classification: Uncertain significance. Last evaluated: 2026-01-27. Review status: criteria provided, single submitter. Criteria: GeneDx Variant Classification Process June 2021. Collection method: clinical testing. Allele origin: germline.
Comment: Not observed at significant frequency in large population cohorts (gnomAD); In silico analysis suggests that this variant does not alter protein structure/function; Has not been previously published as pathogenic or benign to our knowledge